The following is an entry in ClinVar:

ClinVar aggregate classification (germline): Uncertain significance (1 of 4 stars; one submission).

Submission:

Labcorp Genetics (formerly Invitae), Labcorp
Classification: Uncertain significance. Last evaluated: 2023-05-15. Review status: criteria provided, single submitter. Criteria: Invitae Variant Classification Sherloc (09022015). Collection method: clinical testing. Allele origin: germline.
Comment: Advanced modeling of protein sequence and biophysical properties (such as structural, functional, and spatial information, amino acid conservation, physicochemical variation, residue mobility, and thermodynamic stability) performed at Invitae indicates that this missense variant is expected to disrupt MCM5 protein function. In summary, the available evidence is currently insufficient to determine the role of this variant in disease. Therefore, it has been classified as a Variant of Uncertain Significance. ClinVar contains an entry for this variant (Variation ID: 1509529). This sequence change replaces arginine, which is basic and polar, with leucine, which is neutral and non-polar, at codon 642 of the MCM5 protein (p.Arg642Leu). This variant is not present in population databases (gnomAD no frequency). This variant has not been reported in the literature in individuals affected with MCM5-related conditions.

NM_006739.4(MCM5):c.1925G>T (p.Arg642Leu)

Gene: MCM5 (minichromosome maintenance complex component 5; plus strand). Cytogenetic location: 22q12.3.
Variant type: single nucleotide variant.
Coding change: c.1925G>T on transcript NM_006739.4 (MANE Select); coding-DNA position 1925, G replaced by T.
Protein change: p.Arg642Leu; replaces arginine 642 with leucine.
Molecular consequence: missense variant.
Genome position (GRCh38, 1-based): chr22:35,421,410, G>T. VCF-style: chr22-35421410-G-T. GRCh37 (hg19) VCF-style: chr22-35817403-G-T.
Other names: short protein forms R642L.
Identifiers: ClinVar variation 1509529 (VCV001509529.6), dbSNP rs189808484, ClinGen allele CA411350163.